The following is an entry in ClinVar:

NM_004973.4(JARID2):c.1727C>G (p.Ser576Trp)

Gene: JARID2 (jumonji and AT-rich interaction domain containing 2; plus strand). Cytogenetic location: 6p22.3.
Variant type: single nucleotide variant.
Coding change: c.1727C>G on transcript NM_004973.4 (MANE Select); coding-DNA position 1727, C replaced by G.
Protein change: p.Ser576Trp; replaces serine 576 with tryptophan.
Molecular consequence: missense variant.
Genome position (GRCh38, 1-based): chr6:15,496,952, C>G. VCF-style: chr6-15496952-C-G. GRCh37 (hg19) VCF-style: chr6-15497183-C-G.
Other names: c.1211C>G, p.Ser404Trp (NM_001267040.1); short protein forms S404W, S576W.
Identifiers: ClinVar variation 5009677 (VCV005009677.1).

ClinVar aggregate classification (germline): Uncertain significance (1 of 4 stars; one submission).

Submission:

GeneDx
Classification: Uncertain significance. Last evaluated: 2026-02-20. Review status: criteria provided, single submitter. Criteria: GeneDx Variant Classification Process June 2021. Collection method: clinical testing. Allele origin: germline.
Comment: Not observed at significant frequency in large population cohorts (gnomAD); In silico analysis supports that this missense variant has a deleterious effect on protein structure/function; Has not been previously published as pathogenic or benign to our knowledge